The following is an entry in ClinVar:

NM_001122681.2(SH3BP2):c.317G>A (p.Arg106His)

Gene: SH3BP2 (SH3 domain binding protein 2; plus strand). Cytogenetic location: 4p16.3.
Variant type: single nucleotide variant.
Coding change: c.317G>A on transcript NM_001122681.2 (MANE Select); coding-DNA position 317, G replaced by A.
Protein change: p.Arg106His; replaces arginine 106 with histidine.
Molecular consequence: missense variant.
Genome position (GRCh38, 1-based): chr4:2,824,690, G>A. VCF-style: chr4-2824690-G-A. GRCh37 (hg19) VCF-style: chr4-2826417-G-A.
Other names: c.401G>A, p.Arg134His (NM_001145855.2); c.488G>A, p.Arg163His (NM_001145856.2); c.317G>A, p.Arg106His (NM_003023.4); short protein forms R106H, R134H, R163H.
Identifiers: ClinVar variation 4807946 (VCV004807946.1).

ClinVar aggregate classification (germline): Uncertain significance (1 of 4 stars; one submission).

Conditions:
Fibrous dysplasia of jaw (CRBM). Also called: Cherubism. Identifiers: Orphanet 184, MedGen C0008029, MONDO:0007315, OMIM 118400.

Submission:

Labcorp Genetics (formerly Invitae), Labcorp
Classification: Uncertain significance for Fibrous dysplasia of jaw. Last evaluated: 2025-11-04. Review status: criteria provided, single submitter. Criteria: Invitae Variant Classification Sherloc (09022015). Collection method: clinical testing. Allele origin: germline.
Comment: This sequence change replaces arginine, which is basic and polar, with histidine, which is basic and polar, at codon 106 of the SH3BP2 protein (p.Arg106His). This variant is not present in population databases (gnomAD no frequency). This variant has not been reported in the literature in individuals affected with SH3BP2-related conditions. Invitae Evidence Modeling of protein sequence and biophysical properties (such as structural, functional, and spatial information, amino acid conservation, physicochemical variation, residue mobility, and thermodynamic stability) has been performed for this missense variant. However, the output from this modeling did not meet the statistical confidence thresholds required to predict the impact of this variant on SH3BP2 protein function. In summary, the available evidence is currently insufficient to determine the role of this variant in disease. Therefore, it has been classified as a Variant of Uncertain Significance.